The following is an entry in ClinVar:

NM_004329.3(BMPR1A):c.706A>T (p.Met236Leu)

Gene: BMPR1A (bone morphogenetic protein receptor type 1A; plus strand). Cytogenetic location: 10q23.2.
Variant type: single nucleotide variant.
Coding change: c.706A>T on transcript NM_004329.3 (MANE Select); coding-DNA position 706, A replaced by T.
Protein change: p.Met236Leu; replaces methionine 236 with leucine.
Molecular consequence: missense variant. On other transcripts: non-coding transcript variant (3).
Genome position (GRCh38, 1-based): chr10:86,917,164, A>T. VCF-style: chr10-86917164-A-T. GRCh37 (hg19) VCF-style: chr10-88676921-A-T.
Other names: c.706A>T, p.Met236Leu (NM_001406582.1, NM_001406561.1, NM_001406562.1 and 19 more transcripts); c.700A>T, p.Met234Leu (NM_001406583.1); c.622A>T, p.Met208Leu (NM_001406584.1, NM_001406585.1, NM_001406586.1 and 2 more transcripts); c.364A>T, p.Met122Leu (NM_001406589.1); c.781A>T, p.Met261Leu (NM_001406559.1); c.754A>T, p.Met252Leu (NM_001406560.1); short protein forms M208L, M261L, M236L, M122L, M252L, M234L.
Identifiers: ClinVar variation 5032992 (VCV005032992.1).

ClinVar aggregate classification (germline): Uncertain significance (1 of 4 stars; one submission).

Conditions:
Hereditary cancer-predisposing syndrome. Also called: Neoplastic Syndromes, Hereditary; Tumor predisposition; Hereditary neoplastic syndrome; Hereditary Cancer Syndrome. Identifiers: Orphanet 140162, MedGen C0027672, MeSH D009386, MONDO:0015356.

Submission:

Ambry Genetics
Classification: Uncertain significance for Hereditary cancer-predisposing syndrome. Last evaluated: 2026-07-07. Review status: criteria provided, single submitter. Criteria: Ambry Variant Classification Scheme 2023. Collection method: clinical testing. Allele origin: germline.
Comment: The p.M236L variant (also known as c.706A>T), located in coding exon 7 of the BMPR1A gene, results from an A to T substitution at nucleotide position 706. The methionine at codon 236 is replaced by leucine, an amino acid with highly similar properties. This amino acid position is conserved. In addition, the in silico prediction for this alteration is inconclusive. Based on the available evidence, the clinical significance of this variant remains unclear.